The following is an entry in ClinVar:

NM_032816.5(CEP89):c.740A>T (p.Asn247Ile)

Gene: CEP89 (centrosomal protein 89; minus strand). Cytogenetic location: 19q13.11.
Variant type: single nucleotide variant.
Coding change: c.740A>T on transcript NM_032816.5 (MANE Select); coding-DNA position 740, A replaced by T.
Protein change: p.Asn247Ile; replaces asparagine 247 with isoleucine.
Molecular consequence: missense variant.
Genome position (GRCh38, 1-based): chr19:32,933,597, T>A on the plus strand (A>T on the coding strand, the complement: CEP89 is on the minus strand). VCF-style: chr19-32933597-T-A. GRCh37 (hg19) VCF-style: chr19-33424503-T-A.
Other names: short protein forms N247I.
Identifiers: ClinVar variation 2965838 (VCV002965838.3), dbSNP rs764598493, ClinGen allele CA9359519.
Genomic context (GRCh38, chr19:32,933,597, plus strand): 5'-GCTTGTTTCATTGTGTTTAGTTCAAGGGTAAGGCTTTGATTCATATTGTTTAGGTCCATA[T>A]TTTCTTCTTTTAATGCCTCAAACTTTTCTCTGGTTATTTCTGTATATCTTTGACGTGCTC-3'
Protein context (NP_116205.3, residues 237-257): REKFEALKEE[Asn247Ile]MDLNNMNQSL

ClinVar aggregate classification (germline): Uncertain significance (1 of 4 stars; one submission).

Allele frequency attached by ClinVar (database versions not stated): ExAC 0.00001; gnomAD exomes 0.00001.
gnomAD v4.1: 3 of 1,613,486 alleles (0.00019%); highest among the groups gnomAD compares: Admixed American, 0.005%; no homozygotes.

Submission:

Labcorp Genetics (formerly Invitae), Labcorp
Classification: Uncertain significance. Last evaluated: 2022-10-25. Review status: criteria provided, single submitter. Criteria: Invitae Variant Classification Sherloc (09022015). Collection method: clinical testing. Allele origin: germline.
Comment: In summary, the available evidence is currently insufficient to determine the role of this variant in disease. Therefore, it has been classified as a Variant of Uncertain Significance. Algorithms developed to predict the effect of missense changes on protein structure and function are either unavailable or do not agree on the potential impact of this missense change (SIFT: "Tolerated"; PolyPhen-2: "Probably Damaging"; Align-GVGD: "Class C0"). This variant has not been reported in the literature in individuals affected with CEP89-related conditions. This variant is present in population databases (rs764598493, gnomAD 0.006%). This sequence change replaces asparagine, which is neutral and polar, with isoleucine, which is neutral and non-polar, at codon 247 of the CEP89 protein (p.Asn247Ile).